The following is an entry in ClinVar:

NM_000392.5(ABCC2):c.974C>G (p.Ser325Ter)

Gene: ABCC2 (ATP binding cassette subfamily C member 2; plus strand). Cytogenetic location: 10q24.2.
Variant type: single nucleotide variant.
Coding change: c.974C>G on transcript NM_000392.5 (MANE Select); coding-DNA position 974, C replaced by G.
Protein change: p.Ser325Ter; replaces serine 325 with a stop codon.
Molecular consequence: nonsense.
Genome position (GRCh38, 1-based): chr10:99,799,313, C>G. VCF-style: chr10-99799313-C-G. GRCh37 (hg19) VCF-style: chr10-101559070-C-G.
Other names: c.974C>G, p.Ser325Ter (LRG_1208t1); c.974C>G (NM_000392.4); short protein forms S325*.
Identifiers: ClinVar variation 290905 (VCV000290905.12), dbSNP rs371866713, ClinGen allele CA5643037.

ClinVar aggregate classification (germline): Pathogenic/Likely pathogenic. Review status: criteria provided, multiple submitters, no conflicts (2 of 4 stars). 5 submissions from 5 submitters: Pathogenic (4); Likely pathogenic (1). Last evaluated 2026-09-01.

Conditions:
ABCC2-related disorder. Also called: ABCC2-related condition.
Dubin-Johnson syndrome (DJS). Also called: HYPERBILIRUBINEMIA, DUBIN-JOHNSON TYPE; Jaundice, Chronic Idiopathic; Hyperbilirubinemia type 2. Identifiers: Orphanet 234, MedGen C0022350, MONDO:0009380, OMIM 237500.

Allele frequency attached by ClinVar (database versions not stated): ExAC 0.00002; gnomAD 0.00006; ESP Exome Variant Server 0.00008; TOPMed 0.00019.
gnomAD v4.1: 34 of 1,614,056 alleles (0.0021%); highest among the groups gnomAD compares: African/African-American, 0.043%; no homozygotes.

Submissions (5):

PreventionGenetics, part of Exact Sciences
Classification: Pathogenic for ABCC2-related condition. Last evaluated: 2026-09-01. Review status: criteria provided, single submitter. Criteria: ACMG Guidelines, 2015. Collection method: clinical testing. Allele origin: germline.
Comment: The ABCC2 c.974C>G variant is predicted to result in premature protein termination (p.Ser325*). This variant has been reported in the homozygous and compound heterozygous states in individuals with Dubin-Johnson syndrome (Corpechot et al. 2006. PubMed ID: 16952291; Corpechot et al. 2019. PubMed ID: 31544333). This variant is reported in 0.036% of alleles in individuals of African descent in gnomAD. Nonsense variants in ABCC2 are expected to be pathogenic. This variant is interpreted as pathogenic.

Labcorp Genetics (formerly Invitae), Labcorp
Classification: Pathogenic. Last evaluated: 2025-10-23. Review status: criteria provided, single submitter. Criteria: Invitae Variant Classification Sherloc (09022015). Collection method: clinical testing. Allele origin: germline.
Comment: This sequence change creates a premature translational stop signal (p.Ser325*) in the ABCC2 gene. It is expected to result in an absent or disrupted protein product. Loss-of-function variants in ABCC2 are known to be pathogenic (PMID: 9185779, 16549534, 16952291). This variant is present in population databases (rs371866713, gnomAD 0.04%). This premature translational stop signal has been observed in individual(s) with Dubin-Johnson syndrome (PMID: 16952291). ClinVar contains an entry for this variant (Variation ID: 290905). For these reasons, this variant has been classified as Pathogenic.

GeneDx
Classification: Likely pathogenic. Last evaluated: 2024-10-30. Review status: criteria provided, single submitter. Criteria: GeneDx Variant Classification Process June 2021. Collection method: clinical testing. Allele origin: germline. Affected: yes.
Comment: Nonsense variant predicted to result in protein truncation or nonsense mediated decay in a gene for which loss of function is a known mechanism of disease; This variant is associated with the following publications: (PMID: 31544333, 25525159, 16952291)

Fulgent Genetics
Classification: Pathogenic for Dubin-Johnson syndrome. Last evaluated: 2024-04-17. Review status: criteria provided, single submitter. Criteria: ACMG Guidelines, 2015. Collection method: clinical testing. Allele origin: germline.

Eurofins Ntd Llc (ga)
Classification: Pathogenic. Last evaluated: 2016-08-24. Review status: criteria provided, single submitter. Criteria: EGL Classification Definitions 2015. Collection method: clinical testing. Allele origin: germline. Observed: 3 variant alleles, 3 heterozygotes.

Literature cited by the submitters: PubMed 9185779 (cited by Labcorp Genetics (formerly Invitae), Labcorp); PubMed 16549534 (cited by Labcorp Genetics (formerly Invitae), Labcorp); PubMed 16952291 (cited by Labcorp Genetics (formerly Invitae), Labcorp).